The following is an entry in ClinVar:

ClinVar aggregate classification (germline): Uncertain significance. Review status: criteria provided, multiple submitters, no conflicts (2 of 4 stars). 2 submissions from 2 submitters: Uncertain significance (2). Last evaluated 2023-07-31.

Conditions:
Congenital myasthenic syndrome 8. Also called: MYASTHENIC SYNDROME, CONGENITAL, DUE TO AGRIN DEFICIENCY; Myasthenic syndrome, congenital, 8, with pre- and postsynaptic defects. Identifiers: Orphanet 590, MedGen C3808739, MONDO:0014052, OMIM 615120.
Inborn genetic diseases. Identifiers: MedGen C0950123, MeSH D030342.

Allele frequency attached by ClinVar (database versions not stated): gnomAD 0.00002; ExAC 0.00003; gnomAD exomes 0.00003.
gnomAD v4.1: 47 of 1,605,668 alleles (0.0029%); highest among the groups gnomAD compares: East Asian, 0.038%; no homozygotes.

Submissions (2):

Labcorp Genetics (formerly Invitae), Labcorp
Classification: Uncertain significance for Congenital myasthenic syndrome 8. Last evaluated: 2023-07-31. Review status: criteria provided, single submitter. Criteria: Invitae Variant Classification Sherloc (09022015). Collection method: clinical testing. Allele origin: germline.
Comment: This variant has not been reported in the literature in individuals affected with AGRN-related conditions. In summary, the available evidence is currently insufficient to determine the role of this variant in disease. Therefore, it has been classified as a Variant of Uncertain Significance. Algorithms developed to predict the effect of missense changes on protein structure and function output the following: SIFT: "Not Available"; PolyPhen-2: "Possibly Damaging"; Align-GVGD: "Not Available". The methionine amino acid residue is found in multiple mammalian species, which suggests that this missense change does not adversely affect protein function. This variant is present in population databases (rs765711667, gnomAD 0.04%). This sequence change replaces valine, which is neutral and non-polar, with methionine, which is neutral and non-polar, at codon 1038 of the AGRN protein (p.Val1038Met).

Ambry Genetics
Classification: Uncertain significance for Inborn genetic diseases. Last evaluated: 2023-06-29. Review status: criteria provided, single submitter. Criteria: Ambry Variant Classification Scheme 2023. Collection method: clinical testing. Allele origin: germline.

NM_198576.4(AGRN):c.3112G>A (p.Val1038Met)

Gene: AGRN (agrin; plus strand). Cytogenetic location: 1p36.33.
Variant type: single nucleotide variant.
Coding change: c.3112G>A on transcript NM_198576.4 (MANE Select); coding-DNA position 3112, G replaced by A.
Protein change: p.Val1038Met; replaces valine 1038 with methionine.
Molecular consequence: missense variant.
Genome position (GRCh38, 1-based): chr1:1,046,597, G>A. VCF-style: chr1-1046597-G-A. GRCh37 (hg19) VCF-style: chr1-981977-G-A.
Other names: c.3112G>A, p.Val1038Met (NM_001305275.2); c.2797G>A, p.Val933Met (NM_001364727.2); short protein forms V933M, V1038M.
Identifiers: ClinVar variation 2595878 (VCV002595878.3), dbSNP rs765711667, ClinGen allele CA508952.